The following is an entry in ClinVar:

ClinVar aggregate classification (germline): Uncertain significance (1 of 4 stars; one submission).

Conditions:
Hereditary cancer-predisposing syndrome. Also called: Hereditary Cancer Syndrome; Hereditary neoplastic syndrome; Neoplastic Syndromes, Hereditary; Tumor predisposition. Identifiers: Orphanet 140162, MedGen C0027672, MeSH D009386, MONDO:0015356.

Submission:

Ambry Genetics
Classification: Uncertain significance for Hereditary cancer-predisposing syndrome. Last evaluated: 2020-12-21. Review status: criteria provided, single submitter. Criteria: Ambry Variant Classification Scheme 2023. Collection method: clinical testing. Allele origin: germline.
Comment: The p.Q206E variant (also known as c.616C>G), located in coding exon 5 of the CTNNA1 gene, results from a C to G substitution at nucleotide position 616. The glutamine at codon 206 is replaced by glutamic acid, an amino acid with highly similar properties. This amino acid position is well conserved in available vertebrate species. In addition, this alteration is predicted to be tolerated by in silico analysis. Since supporting evidence is limited at this time, the clinical significance of this alteration remains unclear.

NM_001903.5(CTNNA1):c.616C>G (p.Gln206Glu)

Gene: CTNNA1 (catenin alpha 1; plus strand). Cytogenetic location: 5q31.2.
Variant type: single nucleotide variant.
Coding change: c.616C>G on transcript NM_001903.5 (MANE Select); coding-DNA position 616, C replaced by G.
Protein change: p.Gln206Glu; replaces glutamine 206 with glutamic acid.
Molecular consequence: missense variant.
Genome position (GRCh38, 1-based): chr5:138,824,557, C>G. VCF-style: chr5-138824557-C-G. GRCh37 (hg19) VCF-style: chr5-138160246-C-G.
Other names: c.616C>G, p.Gln206Glu (NM_001290307.3, NM_001323982.2, NM_001323983.1 and 3 more transcripts); c.307C>G, p.Gln103Glu (NM_001290309.3); c.247C>G, p.Gln83Glu (NM_001290310.3); short protein forms Q206E, Q103E, Q83E.
Identifiers: ClinVar variation 1751988 (VCV001751988.2), dbSNP rs773383379, ClinGen allele CA361129460.